The following is an entry in ClinVar:

NM_001039876.3(SYNE4):c.253_259dup (p.Ala87fs)

Gene: SYNE4 (spectrin repeat containing nuclear envelope family member 4; minus strand). Cytogenetic location: 19q13.12.
Variant type: Duplication.
Coding change: c.253_259dup on transcript NM_001039876.3 (MANE Select); coding-DNA positions 253 to 259, 7 bases duplicated (GACCCAG; older notation c.253_259dupGACCCAG).
Protein change: p.Ala87fs; shifts the reading frame from alanine 87.
Molecular consequence: frameshift variant.
Genome position (GRCh38, 1-based): chr19:36,008,237-36,008,243, CTGGGTC duplicated on the plus strand (GACCCAG on the coding strand, the reverse complement: SYNE4 is on the minus strand); duplicating any 7 consecutive bases within chr19:36,008,237-36,008,245 gives the same sequence; the c. name uses the placement nearest the transcript's 3' end. VCF-style (leftmost placement, unchanged base first): chr19-36008236-G-GCTGGGTC. GRCh37 (hg19) VCF-style: chr19-36499138-G-GCTGGGTC.
Other names: c.253_259dup, p.Ala87fs (NM_001297735.3); short protein forms A87fs.
Identifiers: ClinVar variation 2898873 (VCV002898873.5), dbSNP rs776772746, ClinGen allele CA9393984.

ClinVar aggregate classification (germline): Pathogenic/Likely pathogenic. Review status: criteria provided, multiple submitters, no conflicts (2 of 4 stars). 3 submissions from 3 submitters: Pathogenic (1); Likely pathogenic (2). Last evaluated 2024-02-19.

Conditions:
SYNE4-related disorder. Also called: SYNE4-related condition.
Autosomal recessive nonsyndromic hearing loss 76. Also called: Deafness, autosomal recessive 76. Identifiers: Orphanet 90636, MedGen C3147083, MONDO:0014237, OMIM 615540.

Submissions (3):

Fulgent Genetics
Classification: Likely pathogenic for Autosomal recessive nonsyndromic hearing loss 76. Last evaluated: 2024-02-19. Review status: criteria provided, single submitter. Criteria: ACMG Guidelines, 2015. Collection method: clinical testing. Allele origin: germline.

Labcorp Genetics (formerly Invitae), Labcorp
Classification: Pathogenic. Last evaluated: 2023-10-28. Review status: criteria provided, single submitter. Criteria: Invitae Variant Classification Sherloc (09022015). Collection method: clinical testing. Allele origin: germline.
Comment: This sequence change creates a premature translational stop signal (p.Ala87Glyfs*9) in the SYNE4 gene. It is expected to result in an absent or disrupted protein product. Loss-of-function variants in SYNE4 are known to be pathogenic (PMID: 23348741, 28958982). This variant is present in population databases (rs776772746, gnomAD 0.02%). This variant has not been reported in the literature in individuals affected with SYNE4-related conditions. For these reasons, this variant has been classified as Pathogenic.

Blueprint Genetics
Classification: Likely pathogenic for SYNE4-related disorders. Last evaluated: 2021-07-12. Review status: criteria provided, single submitter. Criteria: ACMG Guidelines, 2015. Collection method: clinical testing. Allele origin: germline. Affected: yes. Observed: 2 variant alleles.

Literature cited by the submitters: PubMed 23348741 (cited by Labcorp Genetics (formerly Invitae), Labcorp); PubMed 28958982 (cited by Labcorp Genetics (formerly Invitae), Labcorp).